The following is an entry in ClinVar:

NM_139076.3(ABRAXAS1):c.932G>A (p.Cys311Tyr)

Gene: ABRAXAS1 (abraxas 1, BRCA1 A complex subunit; minus strand). Cytogenetic location: 4q21.23.
Variant type: single nucleotide variant.
Coding change: c.932G>A on transcript NM_139076.3 (MANE Select); coding-DNA position 932, G replaced by A.
Protein change: p.Cys311Tyr; replaces cysteine 311 with tyrosine.
Molecular consequence: missense variant.
Genome position (GRCh38, 1-based): chr4:83,462,767, C>T on the plus strand (G>A on the coding strand, the complement: ABRAXAS1 is on the minus strand). VCF-style: chr4-83462767-C-T. GRCh37 (hg19) VCF-style: chr4-84383920-C-T.
Other names: c.605G>A, p.Cys202Tyr (NM_001345962.2); short protein forms C202Y, C311Y.
Identifiers: ClinVar variation 1799938 (VCV001799938.3), dbSNP rs761761558, ClinGen allele CA357255900.
Genomic context (GRCh38, chr4:83,462,767, plus strand): 5'-TCAGTGTGTTCTACCATTAAGGTCAGATTGTCTACTACATCGAGATGGTGGTTGTAGTTA[C>T]AGCTACTTTTAGAAACATGTCTATTTTTTAAAGACATAACACATGAATGAAGAAATTCAG-3'
Protein context (NP_620775.2, residues 301-321): LKNRHVSKSS[Cys311Tyr]NYNHHLDVVD

ClinVar aggregate classification (germline): Uncertain significance (1 of 4 stars; one submission).

gnomAD v4.1: 2 of 1,613,962 alleles (0.00012%); highest among the groups gnomAD compares: Non-Finnish European, 0.00017%; no homozygotes.

Submission:

Ambry Genetics
Classification: Uncertain significance. Last evaluated: 2024-12-14. Review status: criteria provided, single submitter. Criteria: Ambry Variant Classification Scheme 2023. Collection method: clinical testing. Allele origin: germline.
Comment: The p.C311Y variant (also known as c.932G>A), located in coding exon 9 of the FAM175A gene, results from a G to A substitution at nucleotide position 932. The cysteine at codon 311 is replaced by tyrosine, an amino acid with highly dissimilar properties. This amino acid position is conserved. In addition, this alteration is predicted to be deleterious by in silico analysis. Since supporting evidence is limited at this time, the clinical significance of this alteration remains unclear.